The following is an entry in ClinVar:

ClinVar aggregate classification (germline): Uncertain significance. Review status: criteria provided, multiple submitters, no conflicts (2 of 4 stars). 5 submissions from 5 submitters: Uncertain significance (5). Last evaluated 2024-10-23.

Conditions:
Inborn genetic diseases. Identifiers: MedGen C0950123, MeSH D030342.
Emery-Dreifuss muscular dystrophy 4, autosomal dominant (EDMD4). Also called: EMERY-DREIFUSS MUSCULAR DYSTROPHY 4 WITH VARIABLE FEATURES. Identifiers: Orphanet 261, MedGen C2751807, MONDO:0013071, OMIM 612998.
Autosomal recessive ataxia, Beauce type. Also called: Spinocerebellar ataxia, autosomal recessive 8; SYNE1 Deficiency; ATAXIA, RECESSIVE, OF BEAUCE; SYNE1-Related Autosomal Recessive Cerebellar Ataxia. Identifiers: Orphanet 88644, MedGen C1853116, MONDO:0012549, OMIM 610743.

Allele frequency attached by ClinVar (database versions not stated): gnomAD 0.00006; gnomAD exomes 0.00007 and 0.00012; ESP Exome Variant Server 0.00008; TOPMed 0.00008; ExAC 0.00009.
gnomAD v4.1: 114 of 1,614,046 alleles (0.0071%); highest among the groups gnomAD compares: South Asian, 0.053%; no homozygotes.

Submissions (5):

Blueprint Genetics
Classification: Uncertain significance. Last evaluated: 2024-10-23. Review status: criteria provided, single submitter. Criteria: ACMG Guidelines, 2015. Collection method: clinical testing. Allele origin: germline.

Athena Diagnostics
Classification: Uncertain significance. Last evaluated: 2022-11-24. Review status: criteria provided, single submitter. Criteria: Athena Diagnostics Criteria. Collection method: clinical testing. Allele origin: unknown.
Comment: Available data are insufficient to determine the clinical significance of the variant at this time. The frequency of this variant in the general population is higher than would generally be expected for pathogenic variants in this gene. Computational tools predict that this variant is not damaging.

Labcorp Genetics (formerly Invitae), Labcorp
Classification: Uncertain significance for Emery-Dreifuss muscular dystrophy 4, autosomal dominant; Autosomal recessive ataxia, Beauce type. Last evaluated: 2022-06-24. Review status: criteria provided, single submitter. Criteria: Invitae Variant Classification Sherloc (09022015). Collection method: clinical testing. Allele origin: germline.
Comment: In summary, the available evidence is currently insufficient to determine the role of this variant in disease. Therefore, it has been classified as a Variant of Uncertain Significance. Algorithms developed to predict the effect of missense changes on protein structure and function output the following: SIFT: "Tolerated"; PolyPhen-2: "Benign"; Align-GVGD: "Class C0". The histidine amino acid residue is found in multiple mammalian species, which suggests that this missense change does not adversely affect protein function. ClinVar contains an entry for this variant (Variation ID: 1059322). This variant has not been reported in the literature in individuals affected with SYNE1-related conditions. This variant is present in population databases (rs144888773, gnomAD 0.07%). This sequence change replaces arginine, which is basic and polar, with histidine, which is basic and polar, at codon 8603 of the SYNE1 protein (p.Arg8603His).

Ambry Genetics
Classification: Uncertain significance for Inborn genetic diseases. Last evaluated: 2021-10-22. Review status: criteria provided, single submitter. Criteria: Ambry Variant Classification Scheme 2023. Collection method: clinical testing. Allele origin: germline.

GeneDx
Classification: Uncertain significance. Last evaluated: 2021-03-01. Review status: criteria provided, single submitter. Criteria: GeneDx Variant Classification Process June 2021. Collection method: clinical testing. Allele origin: germline. Affected: yes.
Comment: In silico analysis supports that this missense variant does not alter protein structure/function; Has not been previously published as pathogenic or benign to our knowledge

NM_182961.4(SYNE1):c.25952G>A (p.Arg8651His)

Gene: SYNE1 (spectrin repeat containing nuclear envelope protein 1; minus strand). Cytogenetic location: 6q25.2.
Variant type: single nucleotide variant.
Coding change: c.25952G>A on transcript NM_182961.4 (MANE Select); coding-DNA position 25952, G replaced by A.
Protein change: p.Arg8651His; replaces arginine 8651 with histidine.
Molecular consequence: missense variant.
Genome position (GRCh38, 1-based): chr6:152,133,325, C>T on the plus strand (G>A on the coding strand, the complement: SYNE1 is on the minus strand). VCF-style: chr6-152133325-C-T. GRCh37 (hg19) VCF-style: chr6-152454460-C-T.
Other names: c.25952G>A (NM_182961.2); c.2558G>A, p.Arg853His (NM_001347701.2); c.2486G>A, p.Arg829His (NM_001347702.2); c.25808G>A, p.Arg8603His (NM_033071.5); short protein forms R829H, R853H, R8603H, R8651H.
Identifiers: ClinVar variation 1059322 (VCV001059322.10), dbSNP rs144888773, ClinGen allele CA4052710.
Genomic context (GRCh38, chr6:152,133,325, plus strand): 5'-TTATTGCTTACCTGCTGACTACTTGACACGTCTAATAACTTCTCCAGTTCCTTGATATGA[C>T]GACTGACCTCCTTCAAGAGAAGTTTGAGCCGATTTCCAATAACATGGACTTTTTCTTTGG-3'
Protein context (NP_892006.3, residues 8641-8661): RLKLLLKEVS[Arg8651His]HIKELEKLLD